The following is an entry in ClinVar:

ClinVar aggregate classification (germline): Uncertain significance (1 of 4 stars; one submission).

Conditions:
Tuberous sclerosis 1 (TSC1). Identifiers: Orphanet 805, MedGen C1854465, MONDO:0008612, OMIM 191100.

Submission:

Labcorp Genetics (formerly Invitae), Labcorp
Classification: Uncertain significance for Tuberous sclerosis 1. Last evaluated: 2023-05-09. Review status: criteria provided, single submitter. Criteria: Invitae Variant Classification Sherloc (09022015). Collection method: clinical testing. Allele origin: germline.
Comment: In summary, the available evidence is currently insufficient to determine the role of this variant in disease. Therefore, it has been classified as a Variant of Uncertain Significance. Algorithms developed to predict the effect of missense changes on protein structure and function output the following: SIFT: "Not Available"; PolyPhen-2: "Benign"; Align-GVGD: "Not Available". The serine amino acid residue is found in multiple mammalian species, which suggests that this missense change does not adversely affect protein function. This variant has not been reported in the literature in individuals affected with TSC1-related conditions. This variant is not present in population databases (gnomAD no frequency). This sequence change replaces cysteine, which is neutral and slightly polar, with serine, which is neutral and polar, at codon 572 of the TSC1 protein (p.Cys572Ser).

NM_000368.5(TSC1):c.1715G>C (p.Cys572Ser)

Gene: TSC1 (TSC complex subunit 1; minus strand). Cytogenetic location: 9q34.13.
Variant type: single nucleotide variant.
Coding change: c.1715G>C on transcript NM_000368.5 (MANE Select); coding-DNA position 1715, G replaced by C.
Protein change: p.Cys572Ser; replaces cysteine 572 with serine.
Molecular consequence: missense variant. On other transcripts: non-coding transcript variant (5).
Genome position (GRCh38, 1-based): chr9:132,905,863, C>G on the plus strand (G>C on the coding strand, the complement: TSC1 is on the minus strand). VCF-style: chr9-132905863-C-G. GRCh37 (hg19) VCF-style: chr9-135781250-C-G.
Other names: c.1712G>C, p.Cys571Ser (NM_001162426.2, NM_001406597.1, NM_001406598.1 and 6 more transcripts); c.1562G>C, p.Cys521Ser (NM_001162427.2, NM_001406610.1); c.1352G>C, p.Cys451Ser (NM_001362177.2, NM_001406618.1, NM_001406619.1 and 5 more transcripts); c.1715G>C, p.Cys572Ser (NM_001406592.1, NM_001406593.1, NM_001406594.1 and 7 more transcripts); c.1349G>C, p.Cys450Ser (NM_001406620.1, NM_001406621.1, NM_001406622.1 and 2 more transcripts); c.764G>C, p.Cys255Ser (NM_001406626.1); c.761G>C, p.Cys254Ser (NM_001406627.1, NM_001406628.1); c.662G>C, p.Cys221Ser (NM_001406629.1, NM_001406630.1); and 1 more; short protein forms C221S, C255S, C451S, C521S, C520S, C571S, C572S, C254S.
Identifiers: ClinVar variation 2851934 (VCV002851934.3), dbSNP rs2131829691, ClinGen allele CA375364026.